The following is an entry in ClinVar:

NM_002936.6(RNASEH1):c.641C>T (p.Thr214Met)

Gene: RNASEH1 (ribonuclease H1; minus strand). Cytogenetic location: 2p25.3.
Variant type: single nucleotide variant.
Coding change: c.641C>T on transcript NM_002936.6 (MANE Select); coding-DNA position 641, C replaced by T.
Protein change: p.Thr214Met; replaces threonine 214 with methionine.
Molecular consequence: missense variant. On other transcripts: non-coding transcript variant (7).
Genome position (GRCh38, 1-based): chr2:3,548,648, G>A on the plus strand (C>T on the coding strand, the complement: RNASEH1 is on the minus strand). VCF-style: chr2-3548648-G-A. GRCh37 (hg19) VCF-style: chr2-3596238-G-A.
Other names: p.Thr214Met; c.641C>T (NM_002936.3, NM_002936.5); c.563C>T, p.Thr188Met (NM_001286834.3); c.290C>T, p.Thr97Met (NM_001286837.3); c.641C>T, p.Thr214Met (NM_001378271.1); c.638C>T, p.Thr213Met (NM_001378272.1); c.626C>T, p.Thr209Met (NM_001378273.1); short protein forms T214M, T97M, T188M, T209M, T213M.
Identifiers: ClinVar variation 2180978 (VCV002180978.3), dbSNP rs187577328, ClinGen allele CA1516179.

ClinVar aggregate classification (germline): Uncertain significance. Review status: criteria provided, multiple submitters, no conflicts (2 of 4 stars). 3 submissions from 3 submitters: Uncertain significance (3). Last evaluated 2025-09-28.

Conditions:
Inborn genetic diseases. Identifiers: MedGen C0950123, MeSH D030342.

Allele frequency attached by ClinVar (database versions not stated): gnomAD exomes 0.00002; 1000 Genomes Project 0.00040; ExAC 0.00001; gnomAD 0.00008; TOPMed 0.00010; 1000 Genomes Project 30x 0.00031.

Submissions (3):

Ambry Genetics
Classification: Uncertain significance for Inborn genetic diseases. Last evaluated: 2025-09-28. Review status: criteria provided, single submitter. Criteria: Ambry Variant Classification Scheme 2023. Collection method: clinical testing. Allele origin: germline.

Mayo Clinic Laboratories, Mayo Clinic
Classification: Uncertain significance. Last evaluated: 2023-10-13. Review status: criteria provided, single submitter. Criteria: ACMG Guidelines, 2015. Collection method: clinical testing. Allele origin: germline. Observed: 1 variant allele.

Labcorp Genetics (formerly Invitae), Labcorp
Classification: Uncertain significance. Last evaluated: 2022-06-13. Review status: criteria provided, single submitter. Criteria: Invitae Variant Classification Sherloc (09022015). Collection method: clinical testing. Allele origin: germline.
Comment: This sequence change replaces threonine, which is neutral and polar, with methionine, which is neutral and non-polar, at codon 214 of the RNASEH1 protein (p.Thr214Met). This variant is present in population databases (rs187577328, gnomAD 0.02%). This variant has not been reported in the literature in individuals affected with RNASEH1-related conditions. Algorithms developed to predict the effect of missense changes on protein structure and function are either unavailable or do not agree on the potential impact of this missense change (SIFT: "Tolerated"; PolyPhen-2: "Probably Damaging"; Align-GVGD: "Class C0"). In summary, the available evidence is currently insufficient to determine the role of this variant in disease. Therefore, it has been classified as a Variant of Uncertain Significance.